The following is an entry in ClinVar:

ClinVar aggregate classification (germline): Uncertain significance (1 of 4 stars; one submission).

Conditions:
Cataract 14 multiple types. Also called: CATARACT 14, ZONULAR PULVERULENT; CATARACT 14, NUCLEAR PULVERULENT; CATARACT 14, NUCLEAR PULVERULENT AND POSTERIOR POLAR; CATARACT 14, NUCLEAR CORALLIFORM; CATARACT 14, EMBRYONAL NUCLEAR; CATARACT 14, COPPOCK-LIKE. Identifiers: Orphanet 91492, MedGen C1866078, MONDO:0011162, OMIM 601885.

Submission:

Labcorp Genetics (formerly Invitae), Labcorp
Classification: Uncertain significance for Cataract 14 multiple types. Last evaluated: 2024-05-02. Review status: criteria provided, single submitter. Criteria: Invitae Variant Classification Sherloc (09022015). Collection method: clinical testing. Allele origin: germline.
Comment: This sequence change replaces proline, which is neutral and non-polar, with alanine, which is neutral and non-polar, at codon 256 of the GJA3 protein (p.Pro256Ala). This variant is not present in population databases (gnomAD no frequency). This variant has not been reported in the literature in individuals affected with GJA3-related conditions. Advanced modeling of protein sequence and biophysical properties (such as structural, functional, and spatial information, amino acid conservation, physicochemical variation, residue mobility, and thermodynamic stability) performed at Invitae indicates that this missense variant is not expected to disrupt GJA3 protein function with a negative predictive value of 80%. In summary, the available evidence is currently insufficient to determine the role of this variant in disease. Therefore, it has been classified as a Variant of Uncertain Significance.

NM_021954.4(GJA3):c.766C>G (p.Pro256Ala)

Gene: GJA3 (gap junction protein alpha 3; minus strand). Cytogenetic location: 13q12.11.
Variant type: single nucleotide variant.
Coding change: c.766C>G on transcript NM_021954.4 (MANE Select); coding-DNA position 766, C replaced by G.
Protein change: p.Pro256Ala; replaces proline 256 with alanine.
Molecular consequence: missense variant.
Genome position (GRCh38, 1-based): chr13:20,142,523, G>C on the plus strand (C>G on the coding strand, the complement: GJA3 is on the minus strand). VCF-style: chr13-20142523-G-C. GRCh37 (hg19) VCF-style: chr13-20716662-G-C.
Other names: short protein forms P256A.
Identifiers: ClinVar variation 2885045 (VCV002885045.3), dbSNP rs1958816458, ClinGen allele CA387463737.